The following is an entry in ClinVar:

ClinVar aggregate classification (germline): Uncertain significance (1 of 4 stars; one submission).

Conditions:
Gastrointestinal stromal tumor. Also called: Gastrointestinal stromal tumor, somatic; Gastrointestinal stroma tumor. Identifiers: Orphanet 44890, MedGen C0238198, MeSH D046152, MONDO:0011719, OMIM 606764, HP:0100723.

Submission:

Labcorp Genetics (formerly Invitae), Labcorp
Classification: Uncertain significance for Gastrointestinal stromal tumor. Last evaluated: 2020-09-20. Review status: criteria provided, single submitter. Criteria: Invitae Variant Classification Sherloc (09022015). Collection method: clinical testing. Allele origin: germline.
Comment: In summary, the available evidence is currently insufficient to determine the role of this variant in disease. Therefore, it has been classified as a Variant of Uncertain Significance. This variant is not present in population databases (ExAC no frequency). This sequence change replaces aspartic acid with histidine at codon 422 of the PDGFRA protein (p.Asp422His). The aspartic acid residue is highly conserved and there is a moderate physicochemical difference between aspartic acid and histidine. This variant has not been reported in the literature in individuals with PDGFRA-related conditions. Algorithms developed to predict the effect of missense changes on protein structure and function (SIFT, PolyPhen-2, Align-GVGD) all suggest that this variant is likely to be disruptive, but these predictions have not been confirmed by published functional studies and their clinical significance is uncertain.

NM_006206.6(PDGFRA):c.1264G>C (p.Asp422His)

Gene: PDGFRA (platelet derived growth factor receptor alpha; plus strand). Cytogenetic location: 4q12.
Variant type: single nucleotide variant.
Coding change: c.1264G>C on transcript NM_006206.6 (MANE Select); coding-DNA position 1264, G replaced by C.
Protein change: p.Asp422His; replaces aspartic acid 422 with histidine.
Molecular consequence: missense variant.
Genome position (GRCh38, 1-based): chr4:54,272,420, G>C. VCF-style: chr4-54272420-G-C. GRCh37 (hg19) VCF-style: chr4-55138587-G-C.
Other names: c.1264G>C, p.Asp422His (NM_001347827.2, NM_001347829.2); c.1339G>C, p.Asp447His (NM_001347828.2); c.1303G>C, p.Asp435His (NM_001347830.2); short protein forms D422H, D435H, D447H.
Identifiers: ClinVar variation 1026609 (VCV001026609.9), dbSNP rs770847351, ClinGen allele CA356892188.
Genomic context (GRCh38, chr4:54,272,420, plus strand): 5'-CTATTCCATTCTGACTTCTTTCTGCCTCTTGCAGTTCCTTCATCCATTCTGGACTTGGTC[G>C]ATGATCACCATGGCTCAACTGGGGGACAGACGGTGAGGTGCACAGCTGAAGGCACGCCGC-3'
Protein context (NP_006197.1, residues 412-432): QVPSSILDLV[Asp422His]DHHGSTGGQT